The following is an entry in ClinVar:

ClinVar aggregate classification (germline): Uncertain significance (1 of 4 stars; one submission).

Submission:

Labcorp Genetics (formerly Invitae), Labcorp
Classification: Uncertain significance. Last evaluated: 2021-09-19. Review status: criteria provided, single submitter. Criteria: Invitae Variant Classification Sherloc (09022015). Collection method: clinical testing. Allele origin: germline.
Comment: In summary, the available evidence is currently insufficient to determine the role of this variant in disease. Therefore, it has been classified as a Variant of Uncertain Significance. Algorithms developed to predict the effect of missense changes on protein structure and function (SIFT, PolyPhen-2, Align-GVGD) all suggest that this variant is likely to be disruptive. This variant has not been reported in the literature in individuals affected with NLRP1-related conditions. This variant is not present in population databases (ExAC no frequency). This sequence change replaces histidine with tyrosine at codon 1186 of the NLRP1 protein (p.His1186Tyr). The histidine residue is highly conserved and there is a moderate physicochemical difference between histidine and tyrosine.

NM_033004.4(NLRP1):c.3556C>T (p.His1186Tyr)

Gene: NLRP1 (NLR family pyrin domain containing 1; minus strand). Cytogenetic location: 17p13.2.
Variant type: single nucleotide variant.
Coding change: c.3556C>T on transcript NM_033004.4 (MANE Select); coding-DNA position 3556, C replaced by T.
Protein change: p.His1186Tyr; replaces histidine 1186 with tyrosine.
Molecular consequence: missense variant.
Genome position (GRCh38, 1-based): chr17:5,521,751, G>A on the plus strand (C>T on the coding strand, the complement: NLRP1 is on the minus strand). VCF-style: chr17-5521751-G-A. GRCh37 (hg19) VCF-style: chr17-5425071-G-A.
Other names: c.3568C>T, p.His1190Tyr (NM_001033053.3); c.3556C>T, p.His1186Tyr (NM_014922.5); c.3466C>T, p.His1156Tyr (NM_033006.4, NM_033007.4); short protein forms H1156Y, H1186Y, H1190Y.
Identifiers: ClinVar variation 1382226 (VCV001382226.6), dbSNP rs754897099, ClinGen allele CA397389434.
Genomic context (GRCh38, chr17:5,521,751, plus strand): 5'-CTATGTGATGCAGCTCCACCCTGGCTGGCTTCTCCAGGAGCATCCCCTCCTCTTTAAAGT[G>A]GGCCATTTGGAACAGGGATGTGTCCACATGGCCCCCTGTAAAAGAATGGATTGAAGAGGC-3'
Protein context (NP_127497.1, residues 1176-1196): HVDTSLFQMA[His1186Tyr]FKEEGMLLEK